The following is an entry in ClinVar:

NM_001378454.1(ALMS1):c.6524C>T (p.Ala2175Val)

Gene: ALMS1 (ALMS1 centrosome and basal body associated protein; plus strand). Cytogenetic location: 2p13.1.
Variant type: single nucleotide variant.
Coding change: c.6524C>T on transcript NM_001378454.1 (MANE Select); coding-DNA position 6524, C replaced by T.
Protein change: p.Ala2175Val; replaces alanine 2175 with valine.
Molecular consequence: missense variant.
Genome position (GRCh38, 1-based): chr2:73,453,051, C>T. VCF-style: chr2-73453051-C-T. GRCh37 (hg19) VCF-style: chr2-73680178-C-T.
Other names: c.6527C>T, p.Ala2176Val (NM_015120.4); short protein forms A2176V, A2175V.
Identifiers: ClinVar variation 392884 (VCV000392884.8), dbSNP rs549259627, ClinGen allele CA1714077.

ClinVar aggregate classification (germline): Conflicting classifications of pathogenicity. Review status: criteria provided, conflicting classifications (1 of 4 stars). 4 submissions from 4 submitters: Uncertain significance (2); Likely benign (1). 1 of the submissions does not count toward it. Last evaluated 2025-08-05.

Conditions:
Cardiovascular phenotype. Identifiers: MedGen CN230736.
Alstrom syndrome (ALMS). Identifiers: Orphanet 64, MedGen C0268425, MONDO:0008763, OMIM 203800.

Allele frequency attached by ClinVar (database versions not stated): gnomAD 0.00001; TOPMed 0.00001; ExAC 0.00002; 1000 Genomes Project 30x 0.00016; 1000 Genomes Project 0.00020.
gnomAD v4.1: 18 of 1,613,846 alleles (0.0011%); highest among the groups gnomAD compares: Admixed American, 0.0017%; no homozygotes.

Submissions (4):

Ambry Genetics
Classification: Likely benign for Cardiovascular phenotype. Last evaluated: 2025-08-05. Review status: criteria provided, single submitter. Criteria: Ambry Variant Classification Scheme 2023. Collection method: clinical testing. Allele origin: germline.

Labcorp Genetics (formerly Invitae), Labcorp
Classification: Uncertain significance for Alstrom syndrome. Last evaluated: 2022-08-10. Review status: criteria provided, single submitter. Criteria: Invitae Variant Classification Sherloc (09022015). Collection method: clinical testing. Allele origin: germline.
Comment: This sequence change replaces alanine, which is neutral and non-polar, with valine, which is neutral and non-polar, at codon 2176 of the ALMS1 protein (p.Ala2176Val). This variant is present in population databases (rs549259627, gnomAD 0.003%). This variant has not been reported in the literature in individuals affected with ALMS1-related conditions. ClinVar contains an entry for this variant (Variation ID: 392884). Experimental studies and prediction algorithms are not available or were not evaluated, and the functional significance of this variant is currently unknown. In summary, the available evidence is currently insufficient to determine the role of this variant in disease. Therefore, it has been classified as a Variant of Uncertain Significance.

GeneDx
Classification: Uncertain significance. Last evaluated: 2017-01-20. Review status: criteria provided, single submitter. Criteria: GeneDx Variant Classification (06012015). Collection method: clinical testing. Allele origin: germline. Affected: yes.
Comment: A variant of uncertain significance has been identified in the ALMS1 gene. The A2176V variant has not been published as pathogenic or been reported as benign to our knowledge. This variant is not observed at a significant frequency in large population cohorts (Lek et al., 2016; 1000 Genomes Consortium et al., 2015; Exome Variant Server). However, the A2176V variant is a conservative amino acid substitution, which is not likely to impact secondary protein structure as these residues share similar properties. This substitution occurs at a position where amino acids with similar properties to alanine are tolerated across species and where valine is the wild type in several species. Finally, in silico analysis suggests that this variant likely does not alter the protein structure/function.

Natera, Inc.
Classification: Uncertain significance for Alstrom syndrome. Last evaluated: 2020-09-01. Review status: no assertion criteria provided. Collection method: clinical testing. Allele origin: germline. Not counted in ClinVar's aggregate classification.